The following is an entry in ClinVar:

ClinVar aggregate classification (germline): Uncertain significance (1 of 4 stars; one submission).

Allele frequency attached by ClinVar (database versions not stated): gnomAD 0.00003; TOPMed 0.00003; ExAC 0.00004; gnomAD exomes 0.00005; 1000 Genomes Project 30x 0.00047; 1000 Genomes Project 0.00060.

Submission:

Labcorp Genetics (formerly Invitae), Labcorp
Classification: Uncertain significance. Last evaluated: 2023-11-27. Review status: criteria provided, single submitter. Criteria: Invitae Variant Classification Sherloc (09022015). Collection method: clinical testing. Allele origin: germline.
Comment: This sequence change replaces arginine, which is basic and polar, with histidine, which is basic and polar, at codon 922 of the UBE3B protein (p.Arg922His). This variant is present in population databases (rs530625803, gnomAD 0.02%). This variant has not been reported in the literature in individuals affected with UBE3B-related conditions. ClinVar contains an entry for this variant (Variation ID: 2085514). Advanced modeling of protein sequence and biophysical properties (such as structural, functional, and spatial information, amino acid conservation, physicochemical variation, residue mobility, and thermodynamic stability) performed at Invitae indicates that this missense variant is not expected to disrupt UBE3B protein function with a negative predictive value of 80%. In summary, the available evidence is currently insufficient to determine the role of this variant in disease. Therefore, it has been classified as a Variant of Uncertain Significance.

NM_130466.4(UBE3B):c.2765G>A (p.Arg922His)

Gene: UBE3B (ubiquitin protein ligase E3B; plus strand). Cytogenetic location: 12q24.11.
Variant type: single nucleotide variant.
Coding change: c.2765G>A on transcript NM_130466.4 (MANE Select); coding-DNA position 2765, G replaced by A.
Protein change: p.Arg922His; replaces arginine 922 with histidine.
Molecular consequence: missense variant.
Genome position (GRCh38, 1-based): chr12:109,530,027, G>A. VCF-style: chr12-109530027-G-A. GRCh37 (hg19) VCF-style: chr12-109967832-G-A.
Other names: c.2765G>A, p.Arg922His (NM_183415.3); short protein forms R922H.
Identifiers: ClinVar variation 2085514 (VCV002085514.4), dbSNP rs530625803, ClinGen allele CA6778310.